The following is an entry in ClinVar:

ClinVar aggregate classification (germline): Uncertain significance (1 of 4 stars; one submission).

Allele frequency attached by ClinVar (database versions not stated): gnomAD exomes below 0.00001; ExAC 0.00001; gnomAD 0.00001; TOPMed 0.00001; ESP Exome Variant Server 0.00008.
gnomAD v4.1: 3 of 1,608,158 alleles (0.00019%); highest among the groups gnomAD compares: Non-Finnish European, 0.00025%; no homozygotes.

Submission:

Labcorp Genetics (formerly Invitae), Labcorp
Classification: Uncertain significance. Last evaluated: 2023-01-16. Review status: criteria provided, single submitter. Criteria: Invitae Variant Classification Sherloc (09022015). Collection method: clinical testing. Allele origin: germline.
Comment: This sequence change replaces valine, which is neutral and non-polar, with isoleucine, which is neutral and non-polar, at codon 1033 of the DIP2C protein (p.Val1033Ile). In summary, the available evidence is currently insufficient to determine the role of this variant in disease. Therefore, it has been classified as a Variant of Uncertain Significance. Algorithms developed to predict the effect of missense changes on protein structure and function (SIFT, PolyPhen-2, Align-GVGD) all suggest that this variant is likely to be tolerated. This variant has not been reported in the literature in individuals affected with DIP2C-related conditions. The frequency data for this variant in the population databases is considered unreliable, as metrics indicate poor data quality at this position in the gnomAD database.

NM_014974.3(DIP2C):c.3097G>A (p.Val1033Ile)

Gene: DIP2C (DIP2 acetate--CoA ligase C (putative); minus strand). Cytogenetic location: 10p15.3.
Variant type: single nucleotide variant.
Coding change: c.3097G>A on transcript NM_014974.3 (MANE Select); coding-DNA position 3097, G replaced by A.
Protein change: p.Val1033Ile; replaces valine 1033 with isoleucine.
Molecular consequence: missense variant.
Genome position (GRCh38, 1-based): chr10:349,343, C>T on the plus strand (G>A on the coding strand, the complement: DIP2C is on the minus strand). VCF-style: chr10-349343-C-T. GRCh37 (hg19) VCF-style: chr10-395283-C-T.
Other names: short protein forms V1033I.
Identifiers: ClinVar variation 2826798 (VCV002826798.3), dbSNP rs369087804, ClinGen allele CA5380142.